The following is an entry in ClinVar:

NM_001379180.1(ESRRB):c.876C>T (p.Asp292=)

Gene: ESRRB (estrogen related receptor beta; plus strand). Cytogenetic location: 14q24.3.
Variant type: single nucleotide variant.
Coding change: c.876C>T on transcript NM_001379180.1 (MANE Select); coding-DNA position 876, C replaced by T.
Protein change: p.Asp292=; no amino-acid change (aspartic acid 292 retained).
Molecular consequence: synonymous variant.
Genome position (GRCh38, 1-based): chr14:76,491,472, C>T. VCF-style: chr14-76491472-C-T. GRCh37 (hg19) VCF-style: chr14-76957815-C-T.
Other names: c.813C>T, p.Asp271= (NM_004452.4).
Identifiers: ClinVar variation 226637 (VCV000226637.51), dbSNP rs201417586, ClinGen allele CA7281720.

ClinVar aggregate classification (germline): Benign/Likely benign. Review status: criteria provided, multiple submitters, no conflicts (2 of 4 stars). 6 submissions from 6 submitters: Benign (3); Likely benign (3). Last evaluated 2025-11-24.

Conditions:
ESRRB-related disorder. Also called: ESRRB-related condition.

Allele frequency attached by ClinVar (database versions not stated): gnomAD 0.00011 and 0.00022; TOPMed 0.00015; 1000 Genomes Project 0.00020; gnomAD exomes 0.00025 and 0.00042; 1000 Genomes Project 30x 0.00031; ExAC 0.00064.
gnomAD v4.1: 411 of 1,608,198 alleles (0.026%); highest among the groups gnomAD compares: Middle Eastern, 0.31%; 4 homozygotes.

Submissions (6):

PreventionGenetics, part of Exact Sciences
Classification: Likely benign for ESRRB-related condition. Last evaluated: 2025-11-24. Review status: criteria provided, single submitter. Criteria: ACMG Guidelines, 2015. Collection method: clinical testing. Allele origin: germline.
Comment: This variant is classified as likely benign based on ACMG/AMP sequence variant interpretation guidelines (Richards et al. 2015 PMID: 25741868, with internal and published modifications).

Labcorp Genetics (formerly Invitae), Labcorp
Classification: Benign. Last evaluated: 2025-09-15. Review status: criteria provided, single submitter. Criteria: Invitae Variant Classification Sherloc (09022015). Collection method: clinical testing. Allele origin: germline.

Blueprint Genetics
Classification: Likely benign. Last evaluated: 2024-09-02. Review status: criteria provided, single submitter. Criteria: ACMG Guidelines, 2015. Collection method: clinical testing. Allele origin: germline.

CeGaT Center for Human Genetics Tuebingen
Classification: Likely benign. Last evaluated: 2020-07-01. Review status: criteria provided, single submitter. Criteria: CeGaT Center For Human Genetics Tuebingen Variant Classification Criteria Version 2. Collection method: clinical testing. Allele origin: germline. Affected: yes. Observed: 1 variant allele.

GeneDx
Classification: Benign. Last evaluated: 2019-11-27. Review status: criteria provided, single submitter. Criteria: GeneDx Variant Classification Process June 2021. Collection method: clinical testing. Allele origin: germline. Affected: yes.

Laboratory for Molecular Medicine, Mass General Brigham Personalized Medicine
Classification: Benign. Last evaluated: 2016-03-31. Review status: criteria provided, single submitter. Criteria: LMM Criteria. Collection method: clinical testing. Allele origin: germline. Observed: 1 variant allele.
Comment: p.Asp271Asp in exon 8 of ESRRB: This variant is not expected to have clinical si gnificance because it does not alter an amino acid residue, it is not located w ithin the splice consensus sequence, and it has been identified in 0.3% (37/1256 8) of South Asian chromosomes by the Exome Aggregation Consortium (ExAC; dbSNP rs201417586).